The following is an entry in ClinVar:

ClinVar aggregate classification (germline): Uncertain significance (1 of 4 stars; one submission).

Conditions:
Epidermodysplasia verruciformis. Identifiers: Orphanet 302, MedGen C0014522, MONDO:0009176.

Allele frequency attached by ClinVar (database versions not stated): TOPMed below 0.00001; ExAC 0.00001; gnomAD 0.00001.
gnomAD v4.1: 6 of 1,612,408 alleles (0.00037%); highest among the groups gnomAD compares: Admixed American, 0.005%; no homozygotes.

Submission:

Labcorp Genetics (formerly Invitae), Labcorp
Classification: Uncertain significance for Epidermodysplasia verruciformis. Last evaluated: 2022-08-13. Review status: criteria provided, single submitter. Criteria: Invitae Variant Classification Sherloc (09022015). Collection method: clinical testing. Allele origin: germline.
Comment: In summary, the available evidence is currently insufficient to determine the role of this variant in disease. Therefore, it has been classified as a Variant of Uncertain Significance. Algorithms developed to predict the effect of missense changes on protein structure and function are either unavailable or do not agree on the potential impact of this missense change (SIFT: "Deleterious"; PolyPhen-2: "Probably Damaging"; Align-GVGD: "Class C0"). This variant has not been reported in the literature in individuals affected with TMC8-related conditions. This variant is present in population databases (rs752816881, gnomAD 0.01%). This sequence change replaces leucine, which is neutral and non-polar, with arginine, which is basic and polar, at codon 132 of the TMC8 protein (p.Leu132Arg).

NM_152468.5(TMC8):c.395T>G (p.Leu132Arg)

Genes: TMC8 (transmembrane channel like 8; plus strand), LOC130061793 (ATAC-STARR-seq lymphoblastoid silent region 9044; plus strand). Cytogenetic location: 17q25.3.
Variant type: single nucleotide variant.
Coding change: c.395T>G on transcript NM_152468.5 (MANE Select); coding-DNA position 395, T replaced by G.
Protein change: p.Leu132Arg; replaces leucine 132 with arginine.
Molecular consequence: missense variant.
Genome position (GRCh38, 1-based): chr17:78,132,455, T>G. VCF-style: chr17-78132455-T-G. GRCh37 (hg19) VCF-style: chr17-76128536-T-G.
Other names: short protein forms L132R.
Identifiers: ClinVar variation 2199433 (VCV002199433.4), dbSNP rs752816881, ClinGen allele CA8796431.